The following is an entry in ClinVar:

ClinVar aggregate classification (germline): Uncertain significance (1 of 4 stars; one submission).

Conditions:
JADE2-associated Neurodevelopmental Disorder.

Submission:

New York Genome Center
Classification: Uncertain significance for JADE2-associated Neurodevelopmental Disorder. Last evaluated: 2021-08-06. Review status: criteria provided, single submitter. Criteria: NYGC Assertion Criteria 2020. Collection method: clinical testing. Allele origin: de novo. Observed: 1 heterozygote. Study: CSER-NYCKidSeq.
Comment: The de novo c.1644dup (p.Val549SerfsTer6) variant identified in the JADE2 gene is the duplication of a single nucleotide, resulting in a frameshift at amino acid 549/835 (exon 11/12). This variant is absent from gnomAD(v3.1.1) suggesting it is not a common benign variant in the populations represented in that database. It is absent from ClinVar and to our current knowledge has not been reported in affected individuals in the literature. The de novo c.1644dup (p.Val549SerfsTer6) variant identified in the JADE2 gene is reported as a Variant of Uncertain Significance in a Gene of Uncertain Significance.

NM_001388185.1(JADE2):c.1644dup (p.Val549fs)

Gene: JADE2 (jade family PHD finger 2; plus strand). Cytogenetic location: 5q31.1.
Variant type: Duplication.
Coding change: c.1644dup on transcript NM_001388185.1 (MANE Select); coding-DNA position 1644, one base duplicated (A; older notation c.1644dupA).
Protein change: p.Val549fs; shifts the reading frame from valine 549.
Molecular consequence: frameshift variant. On other transcripts: intron variant (2).
Genome position (GRCh38, 1-based): chr5:134,576,859, A duplicated; the last of 3 consecutive A bases (chr5:134,576,857-134,576,859); duplicating any one gives the same sequence. VCF-style (leftmost placement, unchanged base first): chr5-134576856-G-GA. GRCh37 (hg19) VCF-style: chr5-133912546-G-GA.
Other names: c.1692dup, p.Val565fs (NM_001289985.2); c.1644dup, p.Val549fs (NM_001308143.2, NM_001388186.1, NM_001388187.1 and 1 more transcripts); c.1553-1635dup (NM_001289984.2); c.1553-1638dup (NM_015288.6); short protein forms V549fs, V565fs.
Identifiers: ClinVar variation 1696593 (VCV001696593.1), dbSNP rs2150026051, ClinGen allele CA2580072735.